The following is an entry in ClinVar:

NM_182760.4(SUMF1):c.*805C>T

Gene: SUMF1 (sulfatase modifying factor 1; minus strand). Cytogenetic location: 3p26.1.
Variant type: single nucleotide variant.
Coding change: c.*805C>T on transcript NM_182760.4 (MANE Select); 805 bases downstream of the stop codon, C replaced by T.
Molecular consequence: 3 prime UTR variant.
Genome position (GRCh38, 1-based): chr3:4,361,339, G>A on the plus strand (C>T on the coding strand, the complement: SUMF1 is on the minus strand). VCF-style: chr3-4361339-G-A. GRCh37 (hg19) VCF-style: chr3-4403023-G-A.
Other names: c.*805C>T (NM_001164674.2, NM_001164675.2).
Identifiers: ClinVar variation 345293 (VCV000345293.6), dbSNP rs79031951, ClinGen allele CA10616420.

ClinVar aggregate classification (germline): Benign. Review status: criteria provided, multiple submitters, no conflicts (2 of 4 stars). 2 submissions from 2 submitters: Benign (2). Last evaluated 2018-01-12.

Conditions:
Multiple sulfatase deficiency (MSD). Also called: Mucosulfatidosis; Multiple Sulfatase Deficiency Disease; Sulfatidosis, Juvenile, Austin Type. Identifiers: Orphanet 585, MedGen C0268263, MONDO:0010088, OMIM 272200.

Allele frequency attached by ClinVar (database versions not stated): gnomAD 0.01466; 1000 Genomes Project 0.01577; 1000 Genomes Project 30x 0.01608; TOPMed 0.01613.

Submissions (2):

Illumina Laboratory Services, Illumina
Classification: Benign for Multiple sulfatase deficiency. Last evaluated: 2018-01-12. Review status: criteria provided, single submitter. Criteria: ICSL Variant Classification Criteria 13 December 2019. Collection method: clinical testing. Allele origin: germline.
Comment: This variant was observed in the ICSL laboratory as part of a predisposition screen in an ostensibly healthy population. It had not been previously curated by ICSL or reported in the Human Gene Mutation Database (HGMD: prior to June 1st, 2018), and was therefore a candidate for classification through an automated scoring system. Utilizing variant allele frequency, disease prevalence and penetrance estimates, and inheritance mode, an automated score was calculated to assess if this variant is too frequent to cause the disease. Based on the score and internal cut-off values, a variant classified as benign is not then subjected to further curation. The score for this variant resulted in a classification of benign for this disease.

Breakthrough Genomics
Classification: Benign. Review status: criteria provided, single submitter. Criteria: ACMG Guidelines, 2015. Collection method: not provided. Allele origin: germline. Inheritance: Autosomal recessive inheritance. Affected: yes.